The following is an entry in ClinVar:

ClinVar aggregate classification (germline): Uncertain significance. Review status: criteria provided, multiple submitters, no conflicts (2 of 4 stars). 2 submissions from 2 submitters: Uncertain significance (2). Last evaluated 2024-11-13.

Allele frequency attached by ClinVar (database versions not stated): gnomAD 0.00001; TOPMed 0.00002.
gnomAD v4.1: 18 of 1,613,714 alleles (0.0011%); highest among the groups gnomAD compares: Non-Finnish European, 0.0014%; no homozygotes.

Submissions (2):

Ambry Genetics
Classification: Uncertain significance. Last evaluated: 2024-11-13. Review status: criteria provided, single submitter. Criteria: Ambry Variant Classification Scheme 2023. Collection method: clinical testing. Allele origin: germline.

Women's Health and Genetics/Laboratory Corporation of America, LabCorp
Classification: Uncertain significance. Last evaluated: 2021-12-27. Review status: criteria provided, single submitter. Criteria: LabCorp Variant Classification Summary - May 2015. Collection method: clinical testing. Allele origin: germline.
Comment: Variant summary: NOS1AP c.1205C>T (p.Pro402Leu) results in a non-conservative amino acid change in the encoded protein sequence. Three of five in-silico tools predict a damaging effect of the variant on protein function. The variant was absent in 250536 control chromosomes. The available data on variant occurrences in the general population are insufficient to allow any conclusion about variant significance. To our knowledge, no occurrence of c.1205C>T in individuals affected with Arrhythmia and no experimental evidence demonstrating its impact on protein function have been reported. No clinical diagnostic laboratories have submitted clinical-significance assessments for this variant to ClinVar after 2014. Based on the evidence outlined above, the variant was classified as uncertain significance.

NM_014697.3(NOS1AP):c.1205C>T (p.Pro402Leu)

Gene: NOS1AP (nitric oxide synthase 1 adaptor protein; plus strand). Cytogenetic location: 1q23.3.
Variant type: single nucleotide variant.
Coding change: c.1205C>T on transcript NM_014697.3 (MANE Select); coding-DNA position 1205, C replaced by T.
Protein change: p.Pro402Leu; replaces proline 402 with leucine.
Molecular consequence: missense variant.
Genome position (GRCh38, 1-based): chr1:162,367,151, C>T. VCF-style: chr1-162367151-C-T. GRCh37 (hg19) VCF-style: chr1-162336941-C-T.
Other names: c.320C>T, p.Pro107Leu (NM_001126060.2); c.1190C>T, p.Pro397Leu (NM_001164757.2); short protein forms P402L, P107L, P397L.
Identifiers: ClinVar variation 496430 (VCV000496430.4), dbSNP rs1249679104, ClinGen allele CA343395346.